The following is an entry in ClinVar:

ClinVar aggregate classification (germline): Uncertain significance (1 of 4 stars; one submission).

Conditions:
Familial cold autoinflammatory syndrome 2 (FCAS2). Identifiers: Orphanet 247868, MedGen C2673198, MONDO:0012724, OMIM 611762.

gnomAD v4.1: 3 of 1,613,530 alleles (0.00019%); highest among the groups gnomAD compares: African/African-American, 0.0013%; no homozygotes.

Submission:

Labcorp Genetics (formerly Invitae), Labcorp
Classification: Uncertain significance for Familial cold autoinflammatory syndrome 2. Last evaluated: 2024-09-24. Review status: criteria provided, single submitter. Criteria: Invitae Variant Classification Sherloc (09022015). Collection method: clinical testing. Allele origin: germline.
Comment: This sequence change falls in intron 5 of the NLRP12 gene. It does not directly change the encoded amino acid sequence of the NLRP12 protein. This variant is not present in population databases (gnomAD no frequency). This variant has not been reported in the literature in individuals affected with NLRP12-related conditions. Algorithms developed to predict the effect of sequence changes on RNA splicing suggest that this variant may disrupt the consensus splice site. In summary, the available evidence is currently insufficient to determine the role of this variant in disease. Therefore, it has been classified as a Variant of Uncertain Significance.

NM_144687.4(NLRP12):c.2415-14T>C

Gene: NLRP12 (NLR family pyrin domain containing 12; minus strand). Cytogenetic location: 19q13.42.
Variant type: single nucleotide variant.
Coding change: c.2415-14T>C on transcript NM_144687.4 (MANE Select); 14 bases into the intron before coding-DNA position 2415, T replaced by C.
Molecular consequence: intron variant.
Genome position (GRCh38, 1-based): chr19:53,804,136, A>G on the plus strand (T>C on the coding strand, the complement: NLRP12 is on the minus strand). VCF-style: chr19-53804136-A-G. GRCh37 (hg19) VCF-style: chr19-54307390-A-G.
Other names: c.2415-14T>C (NM_001277129.1); c.2418-14T>C (NM_001277126.2).
Identifiers: ClinVar variation 3609303 (VCV003609303.2).